The following is an entry in ClinVar:

ClinVar aggregate classification (germline): Likely benign. Review status: criteria provided, multiple submitters, no conflicts (2 of 4 stars). 2 submissions from 2 submitters: Likely benign (2). Last evaluated 2025-03-22.

Allele frequency attached by ClinVar (database versions not stated): gnomAD 0.00005 and 0.00006; TOPMed 0.00006.
gnomAD v4.1: 113 of 1,613,046 alleles (0.007%); highest among the groups gnomAD compares: Non-Finnish European, 0.009%; no homozygotes.

Submissions (2):

Labcorp Genetics (formerly Invitae), Labcorp
Classification: Likely benign. Last evaluated: 2025-03-22. Review status: criteria provided, single submitter. Criteria: Invitae Variant Classification Sherloc (09022015). Collection method: clinical testing. Allele origin: germline.

CeGaT Center for Human Genetics Tuebingen
Classification: Likely benign. Last evaluated: 2024-10-01. Review status: criteria provided, single submitter. Criteria: CeGaT Center For Human Genetics Tuebingen Variant Classification Criteria Version 2. Collection method: clinical testing. Allele origin: germline. Affected: yes. Observed: 1 variant allele.
Comment: PLEKHG2: BP4, BP7

NM_022835.3(PLEKHG2):c.504C>T (p.Asn168=)

Gene: PLEKHG2 (pleckstrin homology and RhoGEF domain containing G2; plus strand). Cytogenetic location: 19q13.2.
Variant type: single nucleotide variant.
Coding change: c.504C>T on transcript NM_022835.3 (MANE Select); coding-DNA position 504, C replaced by T.
Protein change: p.Asn168=; no amino-acid change (asparagine 168 retained).
Molecular consequence: synonymous variant.
Genome position (GRCh38, 1-based): chr19:39,416,372, C>T. VCF-style: chr19-39416372-C-T. GRCh37 (hg19) VCF-style: chr19-39907012-C-T.
Other names: c.327C>T, p.Asn109= (NM_001351693.2); c.504C>T, p.Asn168= (NM_001351694.2).
Identifiers: ClinVar variation 759836 (VCV000759836.24), dbSNP rs562119329, ClinGen allele CA9429109.